The following is an entry in ClinVar:

ClinVar aggregate classification (germline): Uncertain significance (1 of 4 stars; one submission).

Conditions:
Inborn genetic diseases. Identifiers: MedGen C0950123, MeSH D030342.

gnomAD v4.1: 1 of 1,613,992 alleles (0.000062%); highest among the groups gnomAD compares: Non-Finnish European, 0.000085%; no homozygotes.

Submission:

Ambry Genetics
Classification: Uncertain significance for Inborn genetic diseases. Last evaluated: 2019-09-23. Review status: criteria provided, single submitter. Criteria: Ambry Variant Classification Scheme 2023. Collection method: clinical testing. Allele origin: germline.
Comment: The p.V545M variant (also known as c.1633G>A) is located in coding exon 12 of the IGHMBP2 gene. The valine at codon 545 is replaced by methionine, an amino acid with highly similar properties. This change occurs in the first base pair of coding exon 12. This amino acid position is highly conserved in available vertebrate species. In addition, this alteration is predicted to be deleterious by in silico analysis. Since supporting evidence is limited at this time, the clinical significance of this alteration remains unclear.

NM_002180.3(IGHMBP2):c.1633G>A (p.Val545Met)

Gene: IGHMBP2 (immunoglobulin mu DNA binding protein 2; plus strand). Cytogenetic location: 11q13.3.
Variant type: single nucleotide variant.
Coding change: c.1633G>A on transcript NM_002180.3 (MANE Select); coding-DNA position 1633, G replaced by A.
Protein change: p.Val545Met; replaces valine 545 with methionine.
Molecular consequence: missense variant.
Genome position (GRCh38, 1-based): chr11:68,935,299, G>A. VCF-style: chr11-68935299-G-A. GRCh37 (hg19) VCF-style: chr11-68702767-G-A.
Other names: short protein forms V545M.
Identifiers: ClinVar variation 1776879 (VCV001776879.2), dbSNP rs1859480727, ClinGen allele CA381650999.